The following is an entry in ClinVar:

NM_020207.7(ERCC6L2):c.1909G>A (p.Val637Met)

Gene: ERCC6L2 (ERCC excision repair 6 like 2; plus strand). Cytogenetic location: 9q22.32.
Variant type: single nucleotide variant.
Coding change: c.1909G>A on transcript NM_020207.7 (MANE Select); coding-DNA position 1909, G replaced by A.
Protein change: p.Val637Met; replaces valine 637 with methionine.
Molecular consequence: missense variant. On other transcripts: non-coding transcript variant (1).
Genome position (GRCh38, 1-based): chr9:95,955,975, G>A. VCF-style: chr9-95955975-G-A. GRCh37 (hg19) VCF-style: chr9-98718257-G-A.
Other names: c.1909G>A, p.Val637Met (NM_001010895.4, NM_001375291.1, NM_001375292.1 and 2 more transcripts); short protein forms V637M.
Identifiers: ClinVar variation 3509967 (VCV003509967.1).

ClinVar aggregate classification (germline): Uncertain significance (1 of 4 stars; one submission).

Conditions:
Inborn genetic diseases. Identifiers: MedGen C0950123, MeSH D030342.

gnomAD v4.1: 3 of 1,608,122 alleles (0.00019%); highest among the groups gnomAD compares: Admixed American, 0.0017%; no homozygotes.

Submission:

Ambry Genetics
Classification: Uncertain significance for Inborn genetic diseases. Last evaluated: 2024-11-22. Review status: criteria provided, single submitter. Criteria: Ambry Variant Classification Scheme 2023. Collection method: clinical testing. Allele origin: germline.
Comment: The p.V637M variant (also known as c.1909G>A), located in coding exon 13 of the ERCC6L2 gene, results from a G to A substitution at nucleotide position 1909. The valine at codon 637 is replaced by methionine, an amino acid with highly similar properties. This amino acid position is conserved. In addition, this alteration is predicted to be deleterious by in silico analysis. Based on the available evidence, the clinical significance of this variant remains unclear.